The following is an entry in ClinVar:

ClinVar aggregate classification (germline): Uncertain significance (1 of 4 stars; one submission).

Conditions:
Familial hemophagocytic lymphohistiocytosis 3 (FHL3). Also called: UNC13D-Related Familial Hemophagocytic Lymphohistiocytosis (UNC13D-fHLH). Identifiers: Orphanet 540, MedGen C1837174, MONDO:0012146, OMIM 608898.

Submission:

Labcorp Genetics (formerly Invitae), Labcorp
Classification: Uncertain significance for Familial hemophagocytic lymphohistiocytosis 3. Last evaluated: 2022-07-29. Review status: criteria provided, single submitter. Criteria: Invitae Variant Classification Sherloc (09022015). Collection method: clinical testing. Allele origin: germline.
Comment: This sequence change replaces glutamine, which is neutral and polar, with histidine, which is basic and polar, at codon 437 of the UNC13D protein (p.Gln437His). This variant is not present in population databases (gnomAD no frequency). This variant has not been reported in the literature in individuals affected with UNC13D-related conditions. Algorithms developed to predict the effect of missense changes on protein structure and function are either unavailable or do not agree on the potential impact of this missense change (SIFT: "Not Available"; PolyPhen-2: "Probably Damaging"; Align-GVGD: "Not Available"). In summary, the available evidence is currently insufficient to determine the role of this variant in disease. Therefore, it has been classified as a Variant of Uncertain Significance.

NM_199242.3(UNC13D):c.1311G>T (p.Gln437His)

Gene: UNC13D (unc-13 homolog D; minus strand). Cytogenetic location: 17q25.1.
Variant type: single nucleotide variant.
Coding change: c.1311G>T on transcript NM_199242.3 (MANE Select); coding-DNA position 1311, G replaced by T.
Protein change: p.Gln437His; replaces glutamine 437 with histidine.
Molecular consequence: missense variant.
Genome position (GRCh38, 1-based): chr17:75,836,417, C>A on the plus strand (G>T on the coding strand, the complement: UNC13D is on the minus strand). VCF-style: chr17-75836417-C-A. GRCh37 (hg19) VCF-style: chr17-73832498-C-A.
Other names: short protein forms Q437H.
Identifiers: ClinVar variation 1714277 (VCV001714277.5), dbSNP rs2545982448, ClinGen allele CA401099888.